The following is an entry in ClinVar:

ClinVar aggregate classification (germline): Uncertain significance (1 of 4 stars; one submission).

Allele frequency attached by ClinVar (database versions not stated): gnomAD exomes 0.00001; gnomAD 0.00003; TOPMed 0.00016.
gnomAD v4.1: 21 of 1,561,706 alleles (0.0013%); highest among the groups gnomAD compares: Admixed American, 0.0077%; no homozygotes.

Submission:

Labcorp Genetics (formerly Invitae), Labcorp
Classification: Uncertain significance. Last evaluated: 2023-11-14. Review status: criteria provided, single submitter. Criteria: Invitae Variant Classification Sherloc (09022015). Collection method: clinical testing. Allele origin: germline.
Comment: This sequence change replaces proline, which is neutral and non-polar, with alanine, which is neutral and non-polar, at codon 359 of the IKZF1 protein (p.Pro359Ala). This variant is present in population databases (rs781277713, gnomAD 0.002%). This variant has not been reported in the literature in individuals affected with IKZF1-related conditions. Algorithms developed to predict the effect of missense changes on protein structure and function output the following: SIFT: "Not Available"; PolyPhen-2: "Benign"; Align-GVGD: "Not Available". The alanine amino acid residue is found in multiple mammalian species, which suggests that this missense change does not adversely affect protein function. In summary, the available evidence is currently insufficient to determine the role of this variant in disease. Therefore, it has been classified as a Variant of Uncertain Significance.

NM_006060.6(IKZF1):c.1075C>G (p.Pro359Ala)

Gene: IKZF1 (IKAROS family zinc finger 1; plus strand). Cytogenetic location: 7p12.2.
Variant type: single nucleotide variant.
Coding change: c.1075C>G on transcript NM_006060.6 (MANE Select); coding-DNA position 1075, C replaced by G.
Protein change: p.Pro359Ala; replaces proline 359 with alanine.
Molecular consequence: missense variant.
Genome position (GRCh38, 1-based): chr7:50,400,142, C>G. VCF-style: chr7-50400142-C-G. GRCh37 (hg19) VCF-style: chr7-50467840-C-G.
Other names: c.949C>G, p.Pro317Ala (NM_001220765.3, NM_001291837.2); c.784C>G, p.Pro262Ala (NM_001220767.2); c.814C>G, p.Pro272Ala (NM_001220768.2, NM_001291838.2); c.658C>G, p.Pro220Ala (NM_001220770.2); c.646C>G, p.Pro216Ala (NM_001220771.2, NM_001291841.1); c.688C>G, p.Pro230Ala (NM_001291839.2); c.385C>G, p.Pro129Ala (NM_001291840.1); c.616C>G, p.Pro206Ala (NM_001291842.1); and 3 more; short protein forms P216A, P359A, P230A, P262A, P379A, P129A, P206A, P220A.
Identifiers: ClinVar variation 2808856 (VCV002808856.3), dbSNP rs781277713, ClinGen allele CA4261458.
Genomic context (GRCh38, chr7:50,400,142, plus strand): 5'-GAGGTGGTCCCGGTCATCAGCCCGATGTACCAGCTGCACAAGCCGCTCGCGGAGGGCACC[C>G]CGCGCTCCAACCACTCGGCCCAGGACAGCGCCGTGGAGAACCTGCTGCTGCTCTCCAAGG-3'
Protein context (NP_006051.1, residues 349-369): QLHKPLAEGT[Pro359Ala]RSNHSAQDSA